The following is an entry in ClinVar:

NM_001195263.2(PDZD7):c.1571G>A (p.Arg524His)

Gene: PDZD7 (PDZ domain containing 7; minus strand). Cytogenetic location: 10q24.31.
Variant type: single nucleotide variant.
Coding change: c.1571G>A on transcript NM_001195263.2 (MANE Select); coding-DNA position 1571, G replaced by A.
Protein change: p.Arg524His; replaces arginine 524 with histidine.
Molecular consequence: missense variant.
Genome position (GRCh38, 1-based): chr10:101,016,379, C>T on the plus strand (G>A on the coding strand, the complement: PDZD7 is on the minus strand). VCF-style: chr10-101016379-C-T. GRCh37 (hg19) VCF-style: chr10-102776136-C-T.
Other names: c.1571G>A (NM_001195263.1); short protein forms R524H.
Identifiers: ClinVar variation 1052122 (VCV001052122.10), dbSNP rs1178980761, ClinGen allele CA378227188.

ClinVar aggregate classification (germline): Uncertain significance. Review status: criteria provided, multiple submitters, no conflicts (2 of 4 stars). 2 submissions from 2 submitters: Uncertain significance (2). Last evaluated 2024-09-28.

Conditions:
Inborn genetic diseases. Identifiers: MedGen C0950123, MeSH D030342.

Allele frequency attached by ClinVar (database versions not stated): gnomAD 0.00001; TOPMed 0.00002; gnomAD exomes 0.00003.
gnomAD v4.1: 18 of 1,550,560 alleles (0.0012%); highest among the groups gnomAD compares: Admixed American, 0.0078%; no homozygotes.

Submissions (2):

Labcorp Genetics (formerly Invitae), Labcorp
Classification: Uncertain significance. Last evaluated: 2024-09-28. Review status: criteria provided, single submitter. Criteria: Invitae Variant Classification Sherloc (09022015). Collection method: clinical testing. Allele origin: germline.
Comment: This sequence change replaces arginine, which is basic and polar, with histidine, which is basic and polar, at codon 524 of the PDZD7 protein (p.Arg524His). This variant is present in population databases (no rsID available, gnomAD 0.01%). This variant has not been reported in the literature in individuals affected with PDZD7-related conditions. ClinVar contains an entry for this variant (Variation ID: 1052122). Experimental studies and prediction algorithms are not available or were not evaluated, and the functional significance of this variant is currently unknown. In summary, the available evidence is currently insufficient to determine the role of this variant in disease. Therefore, it has been classified as a Variant of Uncertain Significance.

Ambry Genetics
Classification: Uncertain significance for Inborn genetic diseases. Last evaluated: 2021-11-09. Review status: criteria provided, single submitter. Criteria: Ambry Variant Classification Scheme 2023. Collection method: clinical testing. Allele origin: germline.